The following is an entry in ClinVar:

ClinVar aggregate classification (germline): Likely pathogenic (1 of 4 stars; one submission).

Conditions:
Hereditary spastic paraplegia 15 (SPG15). Also called: SPASTIC PARAPLEGIA 15, AUTOSOMAL RECESSIVE; KJELLIN SYNDROME; SPASTIC PARAPLEGIA AND RETINAL DEGENERATION. Identifiers: Orphanet 100996, MedGen C1849128, MONDO:0010044, OMIM 270700.

Submission:

Myriad Genetics, Inc.
Classification: Likely pathogenic for Hereditary spastic paraplegia 15. Last evaluated: 2021-11-02. Review status: criteria provided, single submitter. Criteria: Myriad Women's Health Autosomal Recessive and X-Linked Classification Criteria (2021). Collection method: clinical testing. Allele origin: unknown.
Comment: NM_015346.3(ZFYVE26):c.4177_4178insA(G1393Efs*23) is expected to be pathogenic in the context of spastic paraplegia type 15. This variant is predicted to lead to an abnormal or absent protein product due to the creation of a premature termination codon in ZFYVE26, a gene where loss-of-function variants are known to be pathogenic. Please note: this variant was assessed in the context of healthy population screening.

NM_015346.4(ZFYVE26):c.4177_4178insA (p.Gly1393fs)

Gene: ZFYVE26 (zinc finger FYVE-type containing 26; minus strand). Cytogenetic location: 14q24.1.
Variant type: Insertion.
Coding change: c.4177_4178insA on transcript NM_015346.4 (MANE Select); coding-DNA positions 4177 to 4178, A inserted.
Protein change: p.Gly1393fs; shifts the reading frame from glycine 1393.
Molecular consequence: frameshift variant.
Genome position: GRCh38 VCF-style: chr14-67782974-C-CT. GRCh37 (hg19) VCF-style: chr14-68249691-C-CT.
Other names: short protein forms G1393fs.
Identifiers: ClinVar variation 1724010 (VCV001724010.2), dbSNP rs2502805582, ClinGen allele CA2580088645.
Genomic context (GRCh38, chr14:67,782,974, plus strand): 5'-AGTACATCTAGGGCAATGGGAGAATGTAGGCCCAGGAGAACGGTAGAAAGACTGGCCCAA[C>CT]CACAGAGATTCACTGCCAGACTCTGCCCCTGCTGCAAAGACCCTCGCAGGGGCTCCCAGG-3'